The following is an entry in ClinVar:

NM_017612.5(ZCCHC8):c.1878T>A (p.Asn626Lys)

Gene: ZCCHC8 (zinc finger CCHC-type containing 8; minus strand). Cytogenetic location: 12q24.31.
Variant type: single nucleotide variant.
Coding change: c.1878T>A on transcript NM_017612.5 (MANE Select); coding-DNA position 1878, T replaced by A.
Protein change: p.Asn626Lys; replaces asparagine 626 with lysine.
Molecular consequence: missense variant.
Genome position (GRCh38, 1-based): chr12:122,473,743, A>T on the plus strand (T>A on the coding strand, the complement: ZCCHC8 is on the minus strand). VCF-style: chr12-122473743-A-T. GRCh37 (hg19) VCF-style: chr12-122958290-A-T.
Other names: c.1647T>A, p.Asn549Lys (NM_001350935.2); c.1581T>A, p.Asn527Lys (NM_001350936.2); c.1164T>A, p.Asn388Lys (NM_001350937.2, NM_001350938.2); c.1878T>A (NM_017612.3); short protein forms N388K, N549K, N527K, N626K.
Identifiers: ClinVar variation 2830509 (VCV002830509.4), dbSNP rs1957359194, ClinGen allele CA387047495.

ClinVar aggregate classification (germline): Uncertain significance. Review status: criteria provided, multiple submitters, no conflicts (2 of 4 stars). 2 submissions from 2 submitters: Uncertain significance (2). Last evaluated 2025-02-12.

gnomAD v4.1: 3 of 1,613,784 alleles (0.00019%); highest among the groups gnomAD compares: Middle Eastern, 0.016%; no homozygotes.

Submissions (2):

Ambry Genetics
Classification: Uncertain significance. Last evaluated: 2025-02-12. Review status: criteria provided, single submitter. Criteria: Ambry Variant Classification Scheme 2023. Collection method: clinical testing. Allele origin: germline.

Labcorp Genetics (formerly Invitae), Labcorp
Classification: Uncertain significance. Last evaluated: 2023-06-27. Review status: criteria provided, single submitter. Criteria: Invitae Variant Classification Sherloc (09022015). Collection method: clinical testing. Allele origin: germline.
Comment: In summary, the available evidence is currently insufficient to determine the role of this variant in disease. Therefore, it has been classified as a Variant of Uncertain Significance. Advanced modeling of protein sequence and biophysical properties (such as structural, functional, and spatial information, amino acid conservation, physicochemical variation, residue mobility, and thermodynamic stability) performed at Invitae indicates that this missense variant is not expected to disrupt ZCCHC8 protein function. This variant has not been reported in the literature in individuals affected with ZCCHC8-related conditions. This variant is not present in population databases (gnomAD no frequency). This sequence change replaces asparagine, which is neutral and polar, with lysine, which is basic and polar, at codon 626 of the ZCCHC8 protein (p.Asn626Lys).